The following is an entry in ClinVar:

ClinVar aggregate classification (germline): Likely benign (1 of 4 stars; one submission).

Allele frequency attached by ClinVar (database versions not stated): gnomAD exomes 0.00018; ExAC 0.00048; ESP Exome Variant Server 0.00122; gnomAD 0.00126; TOPMed 0.00159; 1000 Genomes Project 30x 0.00297; 1000 Genomes Project 0.00300.
gnomAD v4.1: 471 of 1,598,352 alleles (0.029%); highest among the groups gnomAD compares: African/African-American, 0.47%; 1 homozygote.

Submissions (2):

CeGaT Center for Human Genetics Tuebingen
Classification: Likely benign. Last evaluated: 2022-12-01. Review status: criteria provided, single submitter. Criteria: CeGaT Center For Human Genetics Tuebingen Variant Classification Criteria Version 2. Collection method: clinical testing. Allele origin: germline. Affected: yes. Observed: 1 variant allele.
Comment: DAB2IP: BP4, BP7

Dr. Peter K. Rogan Lab, Western University
No classification provided (evidence only). Condition: Gastric cancer. Review status: no classification provided. Collection method: in vitro. Allele origin: not applicable. Functional consequence: retained intron. Not counted in ClinVar's aggregate classification.

NM_001395010.1(DAB2IP):c.2445C>T (p.Gly815=)

Gene: DAB2IP (DAB2 interacting protein; plus strand). Cytogenetic location: 9q33.2.
Variant type: single nucleotide variant.
Coding change: c.2445C>T on transcript NM_001395010.1 (MANE Select); coding-DNA position 2445, C replaced by T.
Protein change: p.Gly815=; no amino-acid change (glycine 815 retained).
Molecular consequence: synonymous variant.
Genome position (GRCh38, 1-based): chr9:121,772,973, C>T. VCF-style: chr9-121772973-C-T. GRCh37 (hg19) VCF-style: chr9-124535252-C-T.
Other names: NC_000009.11:g.124535252C>T; c.2361C>T, p.Gly787= (NM_032552.4); c.2073C>T, p.Gly691= (NM_138709.2).
Identifiers: ClinVar variation 2659480 (VCV002659480.25), dbSNP rs144586865, ClinGen allele CA5222608.